The following is an entry in ClinVar:

NM_000371.4(TTR):c.186G>T (p.Glu62Asp)

Gene: TTR (transthyretin; plus strand). Cytogenetic location: 18q12.1.
Variant type: single nucleotide variant.
Coding change: c.186G>T on transcript NM_000371.4 (MANE Select); coding-DNA position 186, G replaced by T.
Protein change: p.Glu62Asp; replaces glutamic acid 62 with aspartic acid.
Molecular consequence: missense variant.
Genome position (GRCh38, 1-based): chr18:31,593,012, G>T. VCF-style: chr18-31593012-G-T. GRCh37 (hg19) VCF-style: chr18-29172975-G-T.
Other names: short protein forms E62D.
Identifiers: ClinVar variation 633448 (VCV000633448.12), dbSNP rs1340627860, ClinGen allele CA402156860.
Genomic context (GRCh38, chr18:31,593,012, plus strand): 5'-CAGTCCTGCCATCAATGTGGCCGTGCATGTGTTCAGAAAGGCTGCTGATGACACCTGGGA[G>T]CCATTTGCCTCTGGGTAAGTTGCCAAAGAACCCTCCCACAGGACTTGGTTTTATCTTCCC-3'
Protein context (NP_000362.1, residues 52-72): VFRKAADDTW[Glu62Asp]PFASGKTSES

ClinVar aggregate classification (germline): Conflicting classifications of pathogenicity. Review status: criteria provided, conflicting classifications (1 of 4 stars). 3 submissions from 3 submitters: Pathogenic (2); Uncertain significance (1). Last evaluated 2025-11-06.

Conditions:
Cardiovascular phenotype. Identifiers: MedGen CN230736.
Amyloidosis, hereditary systemic 1 (AMYLD1). Also called: Familial amyloid polyneuropathy; Transthyretin Amyloidosis; Hereditary oculoleptomeningeal amyloid angiopathy; Familial Transthyretin Amyloidosis; AMYLOID CARDIOMYOPATHY; Hereditary Transthyretin Amyloidosis. Identifiers: Orphanet 85447, Orphanet 85451, MedGen C2751492, MONDO:0971004, OMIM 105210.

gnomAD v4.1: 1 of 1,614,008 alleles (0.000062%); highest among the groups gnomAD compares: Non-Finnish European, 0.000085%; no homozygotes.

Submissions (3):

Ambry Genetics
Classification: Pathogenic for Cardiovascular phenotype. Last evaluated: 2025-11-06. Review status: criteria provided, single submitter. Criteria: Ambry Variant Classification Scheme 2023. Collection method: clinical testing. Allele origin: germline.
Comment: The p.E62D pathogenic mutation (also known as c.186G>T), located in coding exon 2 of the TTR gene, results from a G to T substitution at nucleotide position 186. The glutamic acid at codon 62 is replaced by aspartic acid, an amino acid with highly similar properties. This variant was reported in individual(s) with features consistent with hereditary transthyretin-related amyloidosis (Dupuy O et al. Amyloid, 1998 Dec;5:285-7; Suhr OB et al. Transplantation, 2016 Feb;100:373-81; Gillmore JD et al. Eur Heart J, 2018 Aug;39:2799-2806; Carroll AS et al. Amyloid, 2024 Jun;31:95-104; Ioannou A et al. Eur J Heart Fail, 2024 Jan;26:65-73; Porcari A et al. J Am Coll Cardiol, 2024 Jun;83:2411-2422; Ioannou A et al. JAMA Cardiol, 2025 Jan;10:50-58; external communication). Note, this variant is also referred to as p.E42D in the literature. Other variant(s) resulting in the same amino acid change (c.186G>C) have been identified in individual(s) with features consistent with hereditary transthyretin-related amyloidosis (Conti E et al. Rev Fac Cien Med Univ Nac Cordoba, 2024 Mar;81:167-177). This amino acid position is not well conserved in available vertebrate species. In addition, the in silico prediction for this alteration is inconclusive. This variant is considered to be rare based on population cohorts in the Genome Aggregation Database (gnomAD). Based on the supporting evidence, this variant is interpreted as a disease-causing mutation.

Labcorp Genetics (formerly Invitae), Labcorp
Classification: Pathogenic for Amyloidosis, hereditary systemic 1. Last evaluated: 2022-11-29. Review status: criteria provided, single submitter. Criteria: Invitae Variant Classification Sherloc (09022015). Collection method: clinical testing. Allele origin: germline.
Comment: For these reasons, this variant has been classified as Pathogenic. This variant disrupts the p.Glu62 amino acid residue in TTR. Other variant(s) that disrupt this residue have been observed in individuals with TTR-related conditions (PMID: 2363717, 26521788), which suggests that this may be a clinically significant amino acid residue. Advanced modeling of protein sequence and biophysical properties (such as structural, functional, and spatial information, amino acid conservation, physicochemical variation, residue mobility, and thermodynamic stability) performed at Invitae indicates that this missense variant is expected to disrupt TTR protein function. ClinVar contains an entry for this variant (Variation ID: 633448). This variant is also known as p.Glu42Asp. This missense change has been observed in individual(s) with cardiac amyloidosis (PMID: 10036587). This variant is not present in population databases (gnomAD no frequency). This sequence change replaces glutamic acid, which is acidic and polar, with aspartic acid, which is acidic and polar, at codon 62 of the TTR protein (p.Glu62Asp).

Women's Health and Genetics/Laboratory Corporation of America, LabCorp
Classification: Uncertain significance. Last evaluated: 2017-09-19. Review status: criteria provided, single submitter. Criteria: LabCorp Variant Classification Summary - May 2015. Collection method: clinical testing. Allele origin: germline.
Comment: Variant summary: The TTR c.186G>T (p.Glu62Asp) variant involves the alteration of a non-conserved nucleotide, resulting in a missense change in the transthyretin/hydroxyisourate hydrolase, superfamily domain (InterPro). 3/4 in silico tools predict a benign outcome for this variant (SNPsandGO not captured due to low reliability index). This variant is absent in 246340 control chromosomes but has been observed in several cardiac amyloidosis patients without strong evidence for or against pathogenicity. In addition, the codon may be a mutational hotspot as there are two additional variants at this amino acid found in patients (p.E62G and p.E62K). Taken together, this variant is classified as VUS-possibly pathogenic.

Literature cited by the submitters: PubMed 10036587 (cited by 3 submitters); PubMed 26656838 (cited by Ambry Genetics and Women's Health and Genetics/Laboratory Corporation of America, LabCorp); PubMed 29048471 (cited by Ambry Genetics); PubMed 37997196 (cited by Ambry Genetics); PubMed 38348665 (cited by Ambry Genetics); PubMed 38537102 (cited by Ambry Genetics); PubMed 38866445 (cited by Ambry Genetics); PubMed 39550765 (cited by Ambry Genetics); PubMed 2363717 (cited by Labcorp Genetics (formerly Invitae), Labcorp); PubMed 26521788 (cited by Labcorp Genetics (formerly Invitae), Labcorp).